The following is an entry in ClinVar:

ClinVar aggregate classification (germline): Uncertain significance (1 of 4 stars; one submission).

Conditions:
Inborn genetic diseases. Identifiers: MedGen C0950123, MeSH D030342.

Submission:

Ambry Genetics
Classification: Uncertain significance for Inborn genetic diseases. Last evaluated: 2026-06-26. Review status: criteria provided, single submitter. Criteria: Ambry Variant Classification Scheme 2023. Collection method: clinical testing. Allele origin: germline.
Comment: The c.2019_2020delCA (p.H673Qfs*52) alteration, located in exon 5 (coding exon 4) of the ZBTB20 gene, consists of a deletion of 2 nucleotides from position 2019 to 2020, causing a translational frameshift with a predicted alternate stop codon after 52 amino acids. This variant is not expected to trigger nonsense-mediated mRNA decay and impacts the last 9% of the protein. The exact functional effect of this variant is unknown. This variant was not reported in population-based cohorts in the Genome Aggregation Database (gnomAD). Based on insufficient or conflicting evidence, the clinical significance of this alteration remains unclear.

NM_001348800.3(ZBTB20):c.2019_2020del (p.His673fs)

Gene: ZBTB20 (zinc finger and BTB domain containing 20; minus strand). Cytogenetic location: 3q13.31.
Variant type: Microsatellite.
Coding change: c.2019_2020del on transcript NM_001348800.3 (MANE Select); coding-DNA positions 2019 to 2020, 2 bases deleted (CA; older notation c.2019_2020delCA).
Protein change: p.His673fs; shifts the reading frame from histidine 673.
Molecular consequence: frameshift variant. On other transcripts: non-coding transcript variant (1).
Genome position (GRCh38, 1-based): chr3:114,339,211-114,339,212, TG deleted on the plus strand (CA on the coding strand, the reverse complement: ZBTB20 is on the minus strand); deleting any 2 consecutive bases within chr3:114,339,211-114,339,214 gives the same sequence; the c. name uses the placement nearest the transcript's 3' end. VCF-style (leftmost placement, unchanged base first): chr3-114339210-TTG-T. GRCh37 (hg19) VCF-style: chr3-114058057-TTG-T.
Other names: c.2019_2020del, p.His673fs (NM_001164342.2, NM_001348803.3, NM_001393393.1 and 1 more transcripts); c.1800_1801del, p.His600fs (NM_001164343.2, NM_001164344.4, NM_001164345.4 and 9 more transcripts); short protein forms H600fs, H673fs.
Identifiers: ClinVar variation 5032103 (VCV005032103.1).